The following is an entry in ClinVar:

ClinVar aggregate classification (germline): Likely benign (1 of 4 stars; one submission).

Conditions:
BBS9-related disorder. Also called: BBS9-related condition.

Submission:

PreventionGenetics, part of Exact Sciences
Classification: Likely benign for BBS9-related condition. Last evaluated: 2026-05-18. Review status: criteria provided, single submitter. Criteria: ACMG Guidelines, 2015. Collection method: clinical testing. Allele origin: germline.
Comment: This variant is classified as likely benign based on ACMG/AMP sequence variant interpretation guidelines (Richards et al. 2015 PMID: 25741868, with internal and published modifications).

NM_198428.3(BBS9):c.1470T>C (p.Tyr490=)

Gene: BBS9 (Bardet-Biedl syndrome 9; plus strand). Cytogenetic location: 7p14.3.
Variant type: single nucleotide variant.
Coding change: c.1470T>C on transcript NM_198428.3 (MANE Select); coding-DNA position 1470, T replaced by C.
Protein change: p.Tyr490=; no amino-acid change (tyrosine 490 retained).
Molecular consequence: synonymous variant. On other transcripts: non-coding transcript variant (3), intron variant (5).
Genome position (GRCh38, 1-based): chr7:33,351,256, T>C. VCF-style: chr7-33351256-T-C. GRCh37 (hg19) VCF-style: chr7-33390868-T-C.
Other names: c.1470T>C, p.Tyr490= (NM_001033605.2, NM_001348036.1, NM_001348041.4 and 2 more transcripts); c.1104T>C, p.Tyr368= (NM_001348037.3, NM_001348045.3, NM_001348046.3); c.1197T>C, p.Tyr399= (NM_001348038.3); c.1335T>C, p.Tyr445= (NM_001348042.3); c.1160-1603T>C (NM_001348039.3); c.1433-1603T>C (NM_001033604.2); c.1432+2086T>C (NM_014451.4, NM_001348040.3); c.1067-1603T>C (NM_001348044.3).
Identifiers: ClinVar variation 4979042 (VCV004979042.1).